The following is an entry in ClinVar:

NM_016138.5(COQ7):c.319C>T (p.Arg107Trp)

Gene: COQ7 (coenzyme Q7, hydroxylase; plus strand). Cytogenetic location: 16p12.3.
Variant type: single nucleotide variant.
Coding change: c.319C>T on transcript NM_016138.5 (MANE Select); coding-DNA position 319, C replaced by T.
Protein change: p.Arg107Trp; replaces arginine 107 with tryptophan.
Molecular consequence: missense variant. On other transcripts: non-coding transcript variant (2).
Genome position (GRCh38, 1-based): chr16:19,073,987, C>T. VCF-style: chr16-19073987-C-T. GRCh37 (hg19) VCF-style: chr16-19085309-C-T.
Other names: c.205C>T, p.Arg69Trp (NM_001190983.2, NM_001370492.1, NM_001370493.1 and 2 more transcripts); c.277C>T, p.Arg93Trp (NM_001370489.1, NM_001370491.1); c.319C>T, p.Arg107Trp (NM_001370490.1); c.319C>T (NM_016138.4); short protein forms R107W, R69W, R93W.
Identifiers: ClinVar variation 929475 (VCV000929475.13), dbSNP rs769570290, ClinGen allele CA7932969.
Genomic context (GRCh38, chr16:19,073,987, plus strand): 5'-TGGGATCAAGAAAAGGACCATTTGAAAAAGTTCAATGAGTTGATGGTTACGTTCAGGGTC[C>T]GGCCAACAGTTCTGATGCCCTTGTGGAACGTGCTGGGGTTTGCACTGGGTACGTGTCTCT-3'
Protein context (NP_057222.2, residues 97-117): FNELMVTFRV[Arg107Trp]PTVLMPLWNV

ClinVar aggregate classification (germline): Conflicting classifications of pathogenicity. Review status: criteria provided, conflicting classifications (1 of 4 stars). 6 submissions from 6 submitters: Pathogenic (1); Likely pathogenic (2); Uncertain significance (2). 1 of the submissions does not count toward it. Last evaluated 2024-10-17.

Conditions:
Neuronopathy, distal hereditary motor, autosomal recessive 9 (HMNR9). Also called: NEUROPATHY, DISTAL HEREDITARY MOTOR, AUTOSOMAL RECESSIVE 9. Identifiers: Orphanet 658778, MedGen C5882672, MONDO:0957874, OMIM 620402.
Primary coenzyme Q10 deficiency 8. Identifiers: MedGen C4225226, MONDO:0014754, OMIM 616733.

Allele frequency attached by ClinVar (database versions not stated): gnomAD exomes 0.00001; gnomAD 0.00003 and 0.00004; TOPMed 0.00002; ExAC 0.00003.

Submissions (6):

Labcorp Genetics (formerly Invitae), Labcorp
Classification: Uncertain significance. Last evaluated: 2024-10-17. Review status: criteria provided, single submitter. Criteria: Invitae Variant Classification Sherloc (09022015). Collection method: clinical testing. Allele origin: germline.
Comment: This sequence change replaces arginine, which is basic and polar, with tryptophan, which is neutral and slightly polar, at codon 107 of the COQ7 protein (p.Arg107Trp). This variant is present in population databases (rs769570290, gnomAD 0.008%). This missense change has been observed in individual(s) with clinical features of COQ7-related conditions (PMID: 31240163, 35094435, 37170631). ClinVar contains an entry for this variant (Variation ID: 929475). An algorithm developed to predict the effect of missense changes on protein structure and function (PolyPhen-2) suggests that this variant is likely to be disruptive. Experimental studies have shown that this missense change affects COQ7 function (PMID: 37392700). In summary, the available evidence is currently insufficient to determine the role of this variant in disease. Therefore, it has been classified as a Variant of Uncertain Significance.

Victorian Clinical Genetics Services, Murdoch Childrens Research Institute
Classification: Pathogenic for Primary coenzyme Q10 deficiency 8. Last evaluated: 2024-09-20. Review status: criteria provided, single submitter. Criteria: ACMG Guidelines, 2015. Collection method: clinical testing. Allele origin: germline. Inheritance: Autosomal recessive inheritance. Affected: yes.
Comment: Based on the classification scheme VCGS_Germline_v1.3.4, this variant is classified as Pathogenic. Following criteria are met: 0102 - Loss of function is a known mechanism of disease in this gene, and is associated with primary coenzyme Q10 deficiency 8 (MIM#616733) and autosomal recessive distal hereditary motor neuronopathy 9 (MIM#620402). (I) 0106 - This gene is associated with autosomal recessive disease. (I) 0200 - Variant is predicted to result in a missense amino acid change from arginine to tryptophan. (I) 0251 - This variant is heterozygous. (I) 0304 - Variant is present in gnomAD (v3) <0.01 for a recessive condition (6 heterozygotes, 0 homozygotes). (SP) 0309 - An alternative amino acid change at the same position has been observed in gnomAD (v3) (4 heterozygotes, 0 homozygotes). (I) 0501 - Missense variant consistently predicted to be damaging by multiple in silico tools or highly conserved with a major amino acid change. (SP) 0600 - Variant is located in the annotated ubiquinone biosynthesis protein COQ7 domain (DECIPHER). (I) 0710 - Another missense variant comparable to the one identified in this case has inconclusive previous evidence for pathogenicity. p.(Arg107Gln) has been reported as a variant of uncertain significance by a clinical testing laboratory (ClinVar). (I) 0803 - This variant has limited previous evidence of pathogenicity in an unrelated individual. It has been reported in a compound heterozygous state in an individual with encephalo-myo-nephro-cardiopathy, persistent lactic acidosis, and basal ganglia lesions resulting in early infantile death (PMIDs: 32963807, 31240163), and as likely pathogenic by a clinical testing laboratory (ClinVar). It has also been reported as compound heterozygous in an affected individual in a publication; however, no phenotypic information was provided (PMID: 35370630). In addition, this variant has been reported as a VUS by a clinical testing laboratory without conclusive evidence against its pathogenicity being provided (ClinVar). (SP) 0905 - No published segregation evidence has been identified for this variant. (I) 1001 - This variant has strong functional evidence supporting abnormal protein function. A reduction in ubiquinone level was reported in the skin fibroblasts of an affected individual who is compound heterozygous for this variant and p.(Lys200Ilefs*56) (PMID: 31240163). A similar finding was shown in the fibroblasts from this proband (MRFF-funded mito MDT project). In addition, a higher increase in the respiratory chain complex II+III activity was detected in this proband’s fibroblasts when supplemented with a CoQ analog, compared to the control cell lines (MRFF-funded mito MDT project). Functional studies using a yeast model suggest this variant is hypomorphic (PMID: 37392700). (SP) 1201 - Heterozygous variant detected in trans with a second pathogenic heterozygous variant (NM_016138.4(COQ7):c.161G>A; p.(Arg54Gln)) in a recessive disease. (I) Legend: (SP) - Supporting pathogenic, (I) - Information, (SB) - Supporting benign

3billion
Classification: Likely pathogenic for Neuronopathy, distal hereditary motor, autosomal recessive 9. Last evaluated: 2024-08-20. Review status: criteria provided, single submitter. Criteria: ACMG Guidelines, 2015. Collection method: clinical testing. Allele origin: germline. Affected: yes.
Comment: The variant is observed at an extremely low frequency in the gnomAD v4.0.0 dataset (total allele frequency: <0.001%). Predicted Consequence/Location: Missense variant In silico tool predictions suggest damaging effect of the variant on gene or gene product [REVEL: 0.61 (>=0.6, sensitivity 0.68 and specificity 0.92); 3Cnet: 0.00 (>=0.6, sensitivity 0.72 and precision 0.9)]. The same nucleotide change resulting in the same amino acid change has been previously reported to be associated with COQ7 related disorder (ClinVar ID: VCV000929475 /PMID: 31240163).The variant has been reported to be in trans with a pathogenic variant as either compound heterozygous or homozygous in at least one similarly affected unrelated individual (PMID: 31240163). Therefore, this variant is classified as Likely pathogenic according to the recommendation of ACMG/AMP guideline.

Greenwood Genetic Center Diagnostic Laboratories, Greenwood Genetic Center
Classification: Likely pathogenic for Primary coenzyme Q10 deficiency 8. Last evaluated: 2023-03-08. Review status: criteria provided, single submitter. Criteria: ACMG Guidelines, 2015. Collection method: clinical testing. Allele origin: germline. Affected: yes.
Comment: PS3_Moderate, PM2, PM3, PP3

Department of Paediatrics and Adolescent Medicine, The University of Hong Kong
Classification: Uncertain significance for Primary coenzyme Q10 deficiency 8. Last evaluated: 2020-06-02. Review status: criteria provided, single submitter. Criteria: ACMG Guidelines, 2015. Collection method: research. Allele origin: inherited. Inheritance: Autosomal recessive inheritance. Affected: yes.
Comment: By the ACMG guideline 2015, this variant is classified as variant of uncertain significance (PM2, PM3, PP3). This variant is found to be in trans with a frameshift likely pathogenic variant. Skin fibroblast study of the patient showed decreased combined complex II + III activity and reduction in COQ10 level, supporting the biallelic changes may be responsible to the individual's phenotype.

OMIM
Classification: Pathogenic for COENZYME Q10 DEFICIENCY, PRIMARY, 8. Last evaluated: 2023-07-03. Review status: no assertion criteria provided. Collection method: literature only. Allele origin: germline. Not counted in ClinVar's aggregate classification.

Literature cited by the submitters: PubMed 31240163 (cited by 5 submitters); PubMed 35094435 (cited by Labcorp Genetics (formerly Invitae), Labcorp); PubMed 37170631 (cited by Labcorp Genetics (formerly Invitae), Labcorp); PubMed 37392700 (cited by Labcorp Genetics (formerly Invitae), Labcorp and Victorian Clinical Genetics Services, Murdoch Childrens Research Institute); PubMed 32963807 (cited by Victorian Clinical Genetics Services, Murdoch Childrens Research Institute and Department of Paediatrics and Adolescent Medicine, The University of Hong Kong); PubMed 35370630 (cited by Victorian Clinical Genetics Services, Murdoch Childrens Research Institute).